The following is an entry in ClinVar:

ClinVar aggregate classification (germline): Uncertain significance. Review status: criteria provided, multiple submitters, no conflicts (2 of 4 stars). 2 submissions from 2 submitters: Uncertain significance (2). Last evaluated 2022-02-19.

Conditions:
Glycogen storage disease IV, classic hepatic. Also called: GSD IV, CLASSIC HEPATIC. Identifiers: MedGen C1856301.
Glycogen storage disease, type IV (GSD4). Also called: Glycogen storage disease due to glycogen branching enzyme deficiency; GBE1 DEFICIENCY; GLYCOGEN BRANCHING ENZYME DEFICIENCY; GLYCOGENOSIS IV; GSD IV; AMYLOPECTINOSIS. Identifiers: Orphanet 367, MedGen C0017923, MONDO:0009292, OMIM 232500.

Allele frequency attached by ClinVar (database versions not stated): gnomAD exomes 0.00001 and 0.00002; ExAC 0.00002; gnomAD 0.00002; TOPMed 0.00002.
gnomAD v4.1: 25 of 1,609,240 alleles (0.0016%); highest among the groups gnomAD compares: Middle Eastern, 0.033%; no homozygotes.

Submissions (2):

Labcorp Genetics (formerly Invitae), Labcorp
Classification: Uncertain significance for Glycogen storage disease, type IV; Glycogen storage disease IV, classic hepatic. Last evaluated: 2022-02-19. Review status: criteria provided, single submitter. Criteria: Invitae Variant Classification Sherloc (09022015). Collection method: clinical testing. Allele origin: germline.
Comment: This sequence change replaces isoleucine, which is neutral and non-polar, with valine, which is neutral and non-polar, at codon 408 of the GBE1 protein (p.Ile408Val). This variant is present in population databases (rs760095778, gnomAD 0.007%). This variant has not been reported in the literature in individuals affected with GBE1-related conditions. ClinVar contains an entry for this variant (Variation ID: 493365). Advanced modeling of protein sequence and biophysical properties (such as structural, functional, and spatial information, amino acid conservation, physicochemical variation, residue mobility, and thermodynamic stability) performed at Invitae indicates that this missense variant is not expected to disrupt GBE1 protein function. In summary, the available evidence is currently insufficient to determine the role of this variant in disease. Therefore, it has been classified as a Variant of Uncertain Significance.

CeGaT Center for Human Genetics Tuebingen
Classification: Uncertain significance. Last evaluated: 2017-08-01. Review status: criteria provided, single submitter. Criteria: CeGaT Center For Human Genetics Tuebingen Variant Classification Criteria Version 2. Collection method: clinical testing. Allele origin: germline. Affected: yes. Observed: 1 variant allele.

NM_000158.4(GBE1):c.1222A>G (p.Ile408Val)

Gene: GBE1 (1,4-alpha-glucan branching enzyme 1; minus strand). Cytogenetic location: 3p12.2.
Variant type: single nucleotide variant.
Coding change: c.1222A>G on transcript NM_000158.4 (MANE Select); coding-DNA position 1222, A replaced by G.
Protein change: p.Ile408Val; replaces isoleucine 408 with valine.
Molecular consequence: missense variant.
Genome position (GRCh38, 1-based): chr3:81,591,051, T>C on the plus strand (A>G on the coding strand, the complement: GBE1 is on the minus strand). VCF-style: chr3-81591051-T-C. GRCh37 (hg19) VCF-style: chr3-81640202-T-C.
Other names: short protein forms I408V.
Identifiers: ClinVar variation 493365 (VCV000493365.44), dbSNP rs760095778, ClinGen allele CA2499760.